The following is an entry in ClinVar:

NM_000180.4(GUCY2D):c.1668+4A>T

Gene: GUCY2D (guanylate cyclase 2D, retinal; plus strand). Cytogenetic location: 17p13.1.
Variant type: single nucleotide variant.
Coding change: c.1668+4A>T on transcript NM_000180.4 (MANE Select); 4 bases into the intron after coding-DNA position 1668, A replaced by T.
Molecular consequence: intron variant.
Genome position (GRCh38, 1-based): chr17:8,008,036, A>T. VCF-style: chr17-8008036-A-T. GRCh37 (hg19) VCF-style: chr17-7911354-A-T.
Identifiers: ClinVar variation 2147958 (VCV002147958.4), dbSNP rs1309693707, ClinGen allele CA2580094963.

ClinVar aggregate classification (germline): Uncertain significance (1 of 4 stars; one submission).

Conditions:
Cone-rod dystrophy 6 (CORD6). Also called: RETINAL CONE DYSTROPHY 2; Cone dystrophy progressive. Identifiers: Orphanet 1872, MedGen C1866293, MONDO:0011143, OMIM 601777.
Leber congenital amaurosis 1 (LCA1). Also called: AMAUROSIS CONGENITA OF LEBER I; RETINAL BLINDNESS, CONGENITAL; Congenital absence of the rods and cones; Leber's congenital tapetoretinal degeneration; Leber's congenital tapetoretinal dysplasia. Identifiers: Orphanet 65, MedGen C2931258, MONDO:0008764, OMIM 204000.

Submission:

Labcorp Genetics (formerly Invitae), Labcorp
Classification: Uncertain significance for Leber congenital amaurosis 1; Cone-rod dystrophy 6. Last evaluated: 2023-05-08. Review status: criteria provided, single submitter. Criteria: Invitae Variant Classification Sherloc (09022015). Collection method: clinical testing. Allele origin: germline.
Comment: This sequence change falls in intron 7 of the GUCY2D gene. It does not directly change the encoded amino acid sequence of the GUCY2D protein. It affects a nucleotide within the consensus splice site. This variant is not present in population databases (gnomAD no frequency). This variant has not been reported in the literature in individuals affected with GUCY2D-related conditions. ClinVar contains an entry for this variant (Variation ID: 2147958). Variants that disrupt the consensus splice site are a relatively common cause of aberrant splicing (PMID: 17576681, 9536098). Algorithms developed to predict the effect of sequence changes on RNA splicing suggest that this variant may disrupt the consensus splice site. In summary, the available evidence is currently insufficient to determine the role of this variant in disease. Therefore, it has been classified as a Variant of Uncertain Significance.

Literature cited by the submitters: PubMed 17576681; PubMed 9536098.